The following is an entry in ClinVar:

ClinVar aggregate classification (germline): Uncertain significance (1 of 4 stars; one submission).

gnomAD v4.1: 1 of 1,613,932 alleles (0.000062%); highest among the groups gnomAD compares: Non-Finnish European, 0.000085%; no homozygotes.

Submission:

GeneDx
Classification: Uncertain significance. Last evaluated: 2025-09-13. Review status: criteria provided, single submitter. Criteria: GeneDx Variant Classification Process June 2021. Collection method: clinical testing. Allele origin: germline.
Comment: Not observed at significant frequency in large population cohorts (gnomAD); In silico analysis supports that this missense variant has a deleterious effect on protein structure/function; Has not been previously published as pathogenic or benign to our knowledge

NM_001148.6(ANK2):c.1706T>C (p.Val569Ala)

Gene: ANK2 (ankyrin 2; plus strand). Cytogenetic location: 4q26.
Variant type: single nucleotide variant.
Coding change: c.1706T>C on transcript NM_001148.6 (MANE Select); coding-DNA position 1706, T replaced by C.
Protein change: p.Val569Ala; replaces valine 569 with alanine.
Molecular consequence: missense variant.
Genome position (GRCh38, 1-based): chr4:113,277,859, T>C. VCF-style: chr4-113277859-T-C. GRCh37 (hg19) VCF-style: chr4-114199015-T-C.
Other names: c.1751T>C, p.Val584Ala (NM_001354240.2, NM_001354241.2, NM_001354242.2 and 5 more transcripts); c.1643T>C, p.Val548Ala (NM_001354243.2, NM_001354244.2, NM_001354252.2 and 14 more transcripts); c.1706T>C, p.Val569Ala (NM_001354245.2, NM_001354246.2, NM_001354265.2 and 8 more transcripts); c.1619T>C, p.Val540Ala (NM_001354249.2, NM_001354266.2, NM_001354267.2 and 13 more transcripts); c.1496T>C, p.Val499Ala (NM_001354269.3); c.1508T>C, p.Val503Ala (NM_001354273.2); c.1421T>C, p.Val474Ala (NM_001386157.1, NM_001386158.1, NM_001354277.2); c.1664T>C, p.Val555Ala (NM_001386160.1, NM_001354261.2, NM_001386147.1); and 4 more; short protein forms V474A, V499A, V503A, V540A, V548A, V555A, V557A, V565A.
Identifiers: ClinVar variation 3769726 (VCV003769726.2).